The following is an entry in ClinVar:

ClinVar aggregate classification (germline): Uncertain significance (1 of 4 stars; one submission).

Submission:

Labcorp Genetics (formerly Invitae), Labcorp
Classification: Uncertain significance. Last evaluated: 2024-12-20. Review status: criteria provided, single submitter. Criteria: Invitae Variant Classification Sherloc (09022015). Collection method: clinical testing. Allele origin: germline.
Comment: This sequence change falls in intron 3 of the TTC26 gene. It does not directly change the encoded amino acid sequence of the TTC26 protein. Information on the frequency of this variant in the gnomAD database is not available, as this variant may be reported differently in the database. This variant has not been reported in the literature in individuals affected with TTC26-related conditions. Experimental studies and prediction algorithms are not available or were not evaluated, and the effect of this variant on mRNA splicing is currently unknown. In summary, the available evidence is currently insufficient to determine the role of this variant in disease. Therefore, it has been classified as a Variant of Uncertain Significance.

NM_024926.4(IFT56):c.235-18_235-17delinsCT

Gene: IFT56 (intraflagellar transport 56; plus strand). Cytogenetic location: 7q34.
Variant type: Indel.
Coding change: c.235-18_235-17delinsCT on transcript NM_024926.4 (MANE Select); 18 bases into the intron before coding-DNA position 235 through 17 bases into the intron before coding-DNA position 235, GC replaced by CT.
Molecular consequence: intron variant.
Genome position (GRCh38, 1-based): chr7:139,139,872-139,139,873, GC replaced by CT. VCF-style: chr7-139139872-GC-CT. GRCh37 (hg19) VCF-style: chr7-138824618-GC-CT.
Other names: c.-347-18_-347-17delinsCT (NM_001318333.2); c.235-18_235-17delinsCT (NM_001321740.2, NM_001144920.3, NM_001321741.2 and 2 more transcripts); c.142-18_142-17delinsCT (NM_001144923.3); c.-81-18_-81-17delinsCT (NM_001287513.2).
Identifiers: ClinVar variation 4794007 (VCV004794007.1).